The following is an entry in ClinVar:

ClinVar aggregate classification (germline): Uncertain significance (1 of 4 stars; one submission).

Submission:

GeneDx
Classification: Uncertain significance. Last evaluated: 2026-02-09. Review status: criteria provided, single submitter. Criteria: GeneDx Variant Classification Process June 2021. Collection method: clinical testing. Allele origin: germline.
Comment: Not observed at significant frequency in large population cohorts (gnomAD); In silico analysis supports that this missense variant has a deleterious effect on protein structure/function; Has not been previously published as pathogenic or benign to our knowledge

NM_001042681.2(RERE):c.2953C>T (p.Pro985Ser)

Gene: RERE (arginine-glutamic acid dipeptide repeats; minus strand). Cytogenetic location: 1p36.23.
Variant type: single nucleotide variant.
Coding change: c.2953C>T on transcript NM_001042681.2 (MANE Select); coding-DNA position 2953, C replaced by T.
Protein change: p.Pro985Ser; replaces proline 985 with serine.
Molecular consequence: missense variant.
Genome position (GRCh38, 1-based): chr1:8,360,554, G>A on the plus strand (C>T on the coding strand, the complement: RERE is on the minus strand). VCF-style: chr1-8360554-G-A. GRCh37 (hg19) VCF-style: chr1-8420614-G-A.
Other names: c.1291C>T, p.Pro431Ser (NM_001042682.2); c.2953C>T, p.Pro985Ser (NM_012102.4); short protein forms P431S, P985S.
Identifiers: ClinVar variation 3602818 (VCV003602818.2).